The following is an entry in ClinVar:

ClinVar aggregate classification (germline): Uncertain significance. Review status: criteria provided, multiple submitters, no conflicts (2 of 4 stars). 2 submissions from 2 submitters: Uncertain significance (2). Last evaluated 2024-11-26.

Allele frequency attached by ClinVar (database versions not stated): gnomAD 0.00001; gnomAD exomes 0.00001; TOPMed 0.00001; ExAC 0.00002.
gnomAD v4.1: 11 of 1,611,666 alleles (0.00068%); highest among the groups gnomAD compares: Non-Finnish European, 0.00085%; no homozygotes.

Submissions (2):

Blueprint Genetics
Classification: Uncertain significance. Last evaluated: 2024-11-26. Review status: criteria provided, single submitter. Criteria: ACMG Guidelines, 2015. Collection method: clinical testing. Allele origin: germline.

Labcorp Genetics (formerly Invitae), Labcorp
Classification: Uncertain significance. Last evaluated: 2022-07-23. Review status: criteria provided, single submitter. Criteria: Invitae Variant Classification Sherloc (09022015). Collection method: clinical testing. Allele origin: germline.
Comment: This sequence change replaces leucine, which is neutral and non-polar, with proline, which is neutral and non-polar, at codon 1495 of the GPR179 protein (p.Leu1495Pro). This variant is present in population databases (rs754071688, gnomAD 0.003%). This variant has not been reported in the literature in individuals affected with GPR179-related conditions. Algorithms developed to predict the effect of missense changes on protein structure and function (SIFT, PolyPhen-2, Align-GVGD) all suggest that this variant is likely to be tolerated. In summary, the available evidence is currently insufficient to determine the role of this variant in disease. Therefore, it has been classified as a Variant of Uncertain Significance.

NM_001004334.4(GPR179):c.4484T>C (p.Leu1495Pro)

Gene: GPR179 (G protein-coupled receptor 179; minus strand). Cytogenetic location: 17q12.
Variant type: single nucleotide variant.
Coding change: c.4484T>C on transcript NM_001004334.4 (MANE Select); coding-DNA position 4484, T replaced by C.
Protein change: p.Leu1495Pro; replaces leucine 1495 with proline.
Molecular consequence: missense variant.
Genome position (GRCh38, 1-based): chr17:38,329,085, A>G on the plus strand (T>C on the coding strand, the complement: GPR179 is on the minus strand). VCF-style: chr17-38329085-A-G. GRCh37 (hg19) VCF-style: chr17-36484968-A-G.
Other names: short protein forms L1495P.
Identifiers: ClinVar variation 1951967 (VCV001951967.3), dbSNP rs754071688, ClinGen allele CA290104123.
Genomic context (GRCh38, chr17:38,329,085, plus strand): 5'-CCAAAGCTTCCTTTTCTGGAGGCTTTTTCCTTTTCTTGAAGAGATTCTCTACCTGTCCCC[A>G]GACTCAGCATTTCCTGCCCCATCACGTTATCATCCAGCTCCCAGGGACAGATCTCTGCTT-3'
Protein context (NP_001004334.3, residues 1485-1505): DNVMGQEMLS[Leu1495Pro]GTGRESLQEK